The following is an entry in ClinVar:

ClinVar aggregate classification (germline): Benign. Review status: criteria provided, multiple submitters, no conflicts (2 of 4 stars). 5 submissions from 5 submitters: Benign (5). Last evaluated 2026-02-01.

Conditions:
Glycogen storage disease due to muscle and heart glycogen synthase deficiency. Also called: GSD 0b; MUSCLE GLYCOGEN SYNTHASE DEFICIENCY. Identifiers: Orphanet 137625, MedGen C1969054, MONDO:0012693, OMIM 611556.

Allele frequency attached by ClinVar (database versions not stated): gnomAD exomes 0.00103 and 0.00240; ExAC 0.00616; gnomAD 0.01054 and 0.01125; 1000 Genomes Project 30x 0.01140; TOPMed 0.01170; 1000 Genomes Project 0.01178; ESP Exome Variant Server 0.01215.

Submissions (5):

Labcorp Genetics (formerly Invitae), Labcorp
Classification: Benign for Glycogen storage disease due to muscle and heart glycogen synthase deficiency. Last evaluated: 2026-02-01. Review status: criteria provided, single submitter. Criteria: Invitae Variant Classification Sherloc (09022015). Collection method: clinical testing. Allele origin: germline.

Mayo Clinic Laboratories, Mayo Clinic
Classification: Benign. Last evaluated: 2019-06-24. Review status: criteria provided, single submitter. Criteria: ACMG Guidelines, 2015. Collection method: clinical testing. Allele origin: germline. Observed: 8 variant alleles.

Illumina Laboratory Services, Illumina
Classification: Benign for Glycogen storage disease due to muscle and heart glycogen synthase deficiency. Last evaluated: 2018-01-13. Review status: criteria provided, single submitter. Criteria: ICSL Variant Classification Criteria 13 December 2019. Collection method: clinical testing. Allele origin: germline.
Comment: This variant was observed in the ICSL laboratory as part of a predisposition screen in an ostensibly healthy population. It had not been previously curated by ICSL or reported in the Human Gene Mutation Database (HGMD: prior to June 1st, 2018), and was therefore a candidate for classification through an automated scoring system. Utilizing variant allele frequency, disease prevalence and penetrance estimates, and inheritance mode, an automated score was calculated to assess if this variant is too frequent to cause the disease. Based on the score and internal cut-off values, a variant classified as benign is not then subjected to further curation. The score for this variant resulted in a classification of benign for this disease.

GeneDx
Classification: Benign. Last evaluated: 2016-05-31. Review status: criteria provided, single submitter. Criteria: GeneDx Variant Classification (06012015). Collection method: clinical testing. Allele origin: germline. Affected: yes.
Comment: This variant is considered likely benign or benign based on one or more of the following criteria: it is a conservative change, it occurs at a poorly conserved position in the protein, it is predicted to be benign by multiple in silico algorithms, and/or has population frequency not consistent with disease.

Breakthrough Genomics
Classification: Benign. Review status: criteria provided, single submitter. Criteria: ACMG Guidelines, 2015. Collection method: not provided. Allele origin: germline. Inheritance: Autosomal recessive inheritance. Affected: yes.

NM_002103.5(GYS1):c.1549+7G>A

Gene: GYS1 (glycogen synthase 1; minus strand). Cytogenetic location: 19q13.33.
Variant type: single nucleotide variant.
Coding change: c.1549+7G>A on transcript NM_002103.5 (MANE Select); 7 bases into the intron after coding-DNA position 1549, G replaced by A.
Molecular consequence: intron variant.
Genome position (GRCh38, 1-based): chr19:48,974,206, C>T on the plus strand (G>A on the coding strand, the complement: GYS1 is on the minus strand). VCF-style: chr19-48974206-C-T. GRCh37 (hg19) VCF-style: chr19-49477463-C-T.
Other names: p.?; c.1357+7G>A (NM_001161587.2).
Identifiers: ClinVar variation 329811 (VCV000329811.17), dbSNP rs5449, ClinGen allele CA9562923.